The following is an entry in ClinVar:

NM_001384140.1(PCDH15):c.1997C>T (p.Thr666Ile)

Gene: PCDH15 (protocadherin related 15; minus strand). Cytogenetic location: 10q21.1.
Variant type: single nucleotide variant.
Coding change: c.1997C>T on transcript NM_001384140.1 (MANE Select); coding-DNA position 1997, C replaced by T.
Protein change: p.Thr666Ile; replaces threonine 666 with isoleucine.
Molecular consequence: missense variant. On other transcripts: intron variant (1).
Genome position (GRCh38, 1-based): chr10:54,089,984, G>A on the plus strand (C>T on the coding strand, the complement: PCDH15 is on the minus strand). VCF-style: chr10-54089984-G-A. GRCh37 (hg19) VCF-style: chr10-55849744-G-A.
Other names: c.2012C>T, p.Thr671Ile (NM_001142763.2, NM_001142771.2); c.1997C>T, p.Thr666Ile (NM_001142764.2, NM_001142766.2, NM_001142770.3 and 5 more transcripts); c.1886C>T, p.Thr629Ile (NM_001142767.2); c.1931C>T, p.Thr644Ile (NM_001142768.2, NM_001142773.2, NM_001354404.2); c.2033C>T, p.Thr678Ile (NM_001142769.4); c.2018C>T, p.Thr673Ile (NM_001354411.2); c.1785-10560C>T (NM_001142765.2); short protein forms T629I, T671I, T678I, T644I, T666I, T673I.
Identifiers: ClinVar variation 878411 (VCV000878411.41), dbSNP rs146121822, ClinGen allele CA5506183.

ClinVar aggregate classification (germline): Conflicting classifications of pathogenicity. Review status: criteria provided, conflicting classifications (1 of 4 stars). 7 submissions from 7 submitters: Likely pathogenic (1); Uncertain significance (6). Last evaluated 2025-08-15.

Conditions:
Usher syndrome type 1 (USH1). Also called: RETINITIS PIGMENTOSA AND CONGENITAL DEAFNESS. Identifiers: Orphanet 231169, Orphanet 886, MedGen C1568247, MONDO:0010168, OMIM 276900.
Autosomal recessive nonsyndromic hearing loss 23. Identifiers: Orphanet 90636, MedGen C1836027, MONDO:0012293, OMIM 609533.
PCDH15-related disorder. Also called: PCDH15-related condition; PCDH15-related disorders.

Allele frequency attached by ClinVar (database versions not stated): gnomAD exomes 0.00004 and 0.00006; ExAC 0.00005; gnomAD 0.00008 and 0.00009; TOPMed 0.00009; ESP Exome Variant Server 0.00023.
gnomAD v4.1: 77 of 1,602,756 alleles (0.0048%); highest among the groups gnomAD compares: Admixed American, 0.03%; no homozygotes.

Submissions (7):

PreventionGenetics, part of Exact Sciences
Classification: Uncertain significance for PCDH15-related condition. Last evaluated: 2025-08-15. Review status: criteria provided, single submitter. Criteria: ACMG Guidelines, 2015. Collection method: clinical testing. Allele origin: germline.
Comment: The PCDH15 c.1997C>T variant is predicted to result in the amino acid substitution p.Thr666Ile. To our knowledge, this variant has not been reported in the literature. This variant is reported in 0.023% of alleles in individuals of Latino descent in gnomAD. At this time, the clinical significance of this variant is uncertain due to the absence of conclusive functional and genetic evidence.

Dasa
Classification: Uncertain significance. Last evaluated: 2025-08-11. Review status: criteria provided, single submitter. Criteria: DASA Assertion Criteria. Collection method: clinical testing. Allele origin: germline.
Comment: NM_001384140.1(PCDH15):c.1997C>T (p.Thr666Ile) is a missense variant that results in the substitution of threonine with isoleucine. This variant is rare in population databases. The currently available literature and clinical evidence are not sufficient to establish a definitive association between this variant and the reported condition. Therefore, this variant is classified as a variant of uncertain significance.

Laboratory of Prof. Karen Avraham, Tel Aviv University
Classification: Likely pathogenic for Autosomal recessive nonsyndromic hearing loss 23. Last evaluated: 2024-08-06. Review status: criteria provided, single submitter. Criteria: ACMG Guidelines, 2015. Collection method: research. Allele origin: germline. Inheritance: Autosomal recessive inheritance. Affected: yes.
Comment: The p.(Thr678Ile) variant in PCDH15 has been detected before in an affected individual according to ClinVar submission SCV002585217. This is a very rare variant predicted deleterious by most prediction programs. Both PCDH15 and ADGRV1 genes are involved in the organization of the stereocilia links (PCDH15 in tip links and ADGRV1 in ankle links). Digenic inheritance involving one tip-link gene and a second ankle-link gene is known (PCDH15/MYO7A; CDH23/MYO7A) (PMID: 34391192).

Blueprint Genetics
Classification: Uncertain significance. Last evaluated: 2024-07-11. Review status: criteria provided, single submitter. Criteria: ACMG Guidelines, 2015. Collection method: clinical testing. Allele origin: germline.

Labcorp Genetics (formerly Invitae), Labcorp
Classification: Uncertain significance. Last evaluated: 2024-01-22. Review status: criteria provided, single submitter. Criteria: Invitae Variant Classification Sherloc (09022015). Collection method: clinical testing. Allele origin: germline.
Comment: This sequence change replaces threonine, which is neutral and polar, with isoleucine, which is neutral and non-polar, at codon 666 of the PCDH15 protein (p.Thr666Ile). This variant is present in population databases (rs146121822, gnomAD 0.03%). This variant has not been reported in the literature in individuals affected with PCDH15-related conditions. ClinVar contains an entry for this variant (Variation ID: 878411). An algorithm developed to predict the effect of missense changes on protein structure and function (PolyPhen-2) suggests that this variant is likely to be disruptive. In summary, the available evidence is currently insufficient to determine the role of this variant in disease. Therefore, it has been classified as a Variant of Uncertain Significance.

CeGaT Center for Human Genetics Tuebingen
Classification: Uncertain significance. Last evaluated: 2022-08-01. Review status: criteria provided, single submitter. Criteria: CeGaT Center For Human Genetics Tuebingen Variant Classification Criteria Version 2. Collection method: clinical testing. Allele origin: germline. Affected: yes. Observed: 1 variant allele.
Comment: PCDH15: PM2:Supporting

Illumina Laboratory Services, Illumina
Classification: Uncertain significance for Usher syndrome type 1. Last evaluated: 2018-01-13. Review status: criteria provided, single submitter. Criteria: ICSL Variant Classification Criteria 13 December 2019. Collection method: clinical testing. Allele origin: germline.